The following is an entry in ClinVar:

NM_006206.6(PDGFRA):c.629-5T>G

Gene: PDGFRA (platelet derived growth factor receptor alpha; plus strand). Cytogenetic location: 4q12.
Variant type: single nucleotide variant.
Coding change: c.629-5T>G on transcript NM_006206.6 (MANE Select); 5 bases into the intron before coding-DNA position 629, T replaced by G.
Molecular consequence: intron variant.
Genome position (GRCh38, 1-based): chr4:54,264,914, T>G. VCF-style: chr4-54264914-T-G. GRCh37 (hg19) VCF-style: chr4-55131081-T-G.
Other names: c.704-5T>G (NM_001347828.2); c.629-5T>G (NM_001347827.2, NM_001347829.2); c.668-5T>G (NM_001347830.2).
Identifiers: ClinVar variation 826304 (VCV000826304.5), dbSNP rs1577711217, ClinGen allele CA915943049.

ClinVar aggregate classification (germline): Uncertain significance (1 of 4 stars; one submission).

Conditions:
Hereditary cancer-predisposing syndrome. Also called: Hereditary Cancer Syndrome; Tumor predisposition; Neoplastic Syndromes, Hereditary; Hereditary neoplastic syndrome. Identifiers: Orphanet 140162, MedGen C0027672, MeSH D009386, MONDO:0015356.

Submission:

Ambry Genetics
Classification: Uncertain significance for Hereditary cancer-predisposing syndrome. Last evaluated: 2026-02-05. Review status: criteria provided, single submitter. Criteria: Ambry Variant Classification Scheme 2023. Collection method: clinical testing. Allele origin: germline.
Comment: The c.629-5T>G intronic variant results from a T to G substitution 5 nucleotides upstream from coding exon 4 in the PDGFRA gene. This nucleotide position is not well conserved in available vertebrate species. In silico splice site analysis predicts that this alteration may weaken the native splice acceptor site. Based on the available evidence, the clinical significance of this variant remains unclear.